The following is an entry in ClinVar:

NM_001134831.2(AHI1):c.1780-14C>T

Gene: AHI1 (Abelson helper integration site 1; minus strand). Cytogenetic location: 6q23.3.
Variant type: single nucleotide variant.
Coding change: c.1780-14C>T on transcript NM_001134831.2 (MANE Select); 14 bases into the intron before coding-DNA position 1780, C replaced by T.
Molecular consequence: intron variant.
Genome position (GRCh38, 1-based): chr6:135,442,728, G>A on the plus strand (C>T on the coding strand, the complement: AHI1 is on the minus strand). VCF-style: chr6-135442728-G-A. GRCh37 (hg19) VCF-style: chr6-135763866-G-A.
Other names: c.1780-14C>T (NM_001134830.2, NM_001350503.2, NM_017651.5 and 2 more transcripts).
Identifiers: ClinVar variation 260839 (VCV000260839.24), dbSNP rs2757645, ClinGen allele CA4012511.

ClinVar aggregate classification (germline): Benign. Review status: criteria provided, multiple submitters, no conflicts (2 of 4 stars). 10 submissions from 10 submitters: Benign (7). 3 of the submissions do not count toward it. Last evaluated 2026-02-04.

Conditions:
Joubert syndrome. Also called: Familial aplasia of the vermis; JOUBERT-BOLTSHAUSER SYNDROME. Identifiers: Orphanet 475, MedGen C5979921, MONDO:0018772.
Joubert syndrome 3 (JBTS3). Also called: AHI1-related Ciliopathy. Identifiers: Orphanet 220493, MedGen C1837713, MONDO:0012078, OMIM 608629.

Allele frequency attached by ClinVar (database versions not stated): TOPMed 0.81148; gnomAD 0.81825 and 0.82697; 1000 Genomes Project 30x 0.81996; ESP Exome Variant Server 0.82028; 1000 Genomes Project 0.82288; ExAC 0.91061; gnomAD exomes 0.91474 and 0.92628.
gnomAD v4.1: 1,450,177 of 1,582,822 alleles (92%); highest among the groups gnomAD compares: East Asian, 97%; 669,964 homozygotes.

Submissions (10):

Labcorp Genetics (formerly Invitae), Labcorp
Classification: Benign for Joubert syndrome. Last evaluated: 2026-02-04. Review status: criteria provided, single submitter. Criteria: Invitae Variant Classification Sherloc (09022015). Collection method: clinical testing. Allele origin: germline.

Women's Health and Genetics/Laboratory Corporation of America, LabCorp
Classification: Benign. Last evaluated: 2025-06-23. Review status: criteria provided, single submitter. Criteria: LabCorp Variant Classification Summary - May 2015. Collection method: clinical testing. Allele origin: germline.

Blueprint Genetics
Classification: Benign. Last evaluated: 2024-11-27. Review status: criteria provided, single submitter. Criteria: ACMG Guidelines, 2015. Collection method: clinical testing. Allele origin: germline.

Genome-Nilou Lab
Classification: Benign for Joubert syndrome 3. Last evaluated: 2021-07-14. Review status: criteria provided, single submitter. Criteria: ACMG Guidelines, 2015. Collection method: clinical testing. Allele origin: germline. Affected: no.

Illumina Laboratory Services, Illumina
Classification: Benign for Joubert syndrome 3. Last evaluated: 2018-01-12. Review status: criteria provided, single submitter. Criteria: ICSL Variant Classification Criteria 13 December 2019. Collection method: clinical testing. Allele origin: germline.
Comment: This variant was observed in the ICSL laboratory as part of a predisposition screen in an ostensibly healthy population. It had not been previously curated by ICSL or reported in the Human Gene Mutation Database (HGMD: prior to June 1st, 2018), and was therefore a candidate for classification through an automated scoring system. Utilizing variant allele frequency, disease prevalence and penetrance estimates, and inheritance mode, an automated score was calculated to assess if this variant is too frequent to cause the disease. Based on the score and internal cut-off values, a variant classified as benign is not then subjected to further curation. The score for this variant resulted in a classification of benign for this disease.

GeneDx
Classification: Benign. Last evaluated: 2015-03-03. Review status: criteria provided, single submitter. Criteria: GeneDx Variant Classification Process June 2021. Collection method: clinical testing. Allele origin: germline. Affected: yes.

PreventionGenetics, part of Exact Sciences
Classification: Benign. Review status: criteria provided, single submitter. Criteria: ACMG Guidelines, 2015. Collection method: clinical testing. Allele origin: germline.

Clinical Genetics DNA and cytogenetics Diagnostics Lab, Erasmus MC, Erasmus Medical Center
Classification: Benign. Review status: no assertion criteria provided. Collection method: clinical testing. Allele origin: germline. Affected: yes. Study: VKGL Data-share Consensus. Not counted in ClinVar's aggregate classification.

Diagnostic Laboratory, Department of Genetics, University Medical Center Groningen
Classification: Benign for Joubert syndrome 3. Review status: no assertion criteria provided. Collection method: clinical testing. Allele origin: germline. Affected: yes. Study: VKGL Data-share Consensus. Not counted in ClinVar's aggregate classification.

Joint Genome Diagnostic Labs from Nijmegen and Maastricht, Radboudumc and MUMC+
Classification: Benign. Review status: no assertion criteria provided. Collection method: clinical testing. Allele origin: germline. Affected: yes. Study: VKGL Data-share Consensus. Not counted in ClinVar's aggregate classification.